The following is an entry in ClinVar:

ClinVar aggregate classification (germline): Pathogenic (1 of 4 stars; one submission).

Conditions:
Developmental and epileptic encephalopathy 94 (DEE94). Also called: CHD2-Related Neurodevelopmental Disorders; Epileptic encephalopathy, childhood-onset. Identifiers: Orphanet 1942, Orphanet 2382, MedGen C3809278, MONDO:0014150, OMIM 615369.

Submission:

Labcorp Genetics (formerly Invitae), Labcorp
Classification: Pathogenic for Developmental and epileptic encephalopathy 94. Last evaluated: 2018-06-24. Review status: criteria provided, single submitter. Criteria: Invitae Variant Classification Sherloc (09022015). Collection method: clinical testing. Allele origin: germline.
Comment: Loss-of-function variants in CHD2 are known to be pathogenic (PMID: 23708187, 24207121). For these reasons, this variant has been classified as Pathogenic. This variant is not present in population databases (ExAC no frequency). This variant has not been reported in the literature in individuals with CHD2-related disease. This sequence change creates a premature translational stop signal (p.Glu247*) in the CHD2 gene. It is expected to result in an absent or disrupted protein product.

Literature cited by the submitters: PubMed 23708187; PubMed 24207121.

NM_001271.4(CHD2):c.739G>T (p.Glu247Ter)

Gene: CHD2 (chromodomain helicase DNA binding protein 2; plus strand). Cytogenetic location: 15q26.1.
Variant type: single nucleotide variant.
Coding change: c.739G>T on transcript NM_001271.4 (MANE Select); coding-DNA position 739, G replaced by T.
Protein change: p.Glu247Ter; replaces glutamic acid 247 with a stop codon.
Molecular consequence: nonsense.
Genome position (GRCh38, 1-based): chr15:92,941,868, G>T. VCF-style: chr15-92941868-G-T. GRCh37 (hg19) VCF-style: chr15-93485098-G-T.
Other names: c.739G>T, p.Glu247Ter (NM_001042572.3); short protein forms E247*.
Identifiers: ClinVar variation 579480 (VCV000579480.7), dbSNP rs1567135138, ClinGen allele CA393900760.